The following is an entry in ClinVar:

NM_004360.5(CDH1):c.1022A>T (p.Tyr341Phe)

Gene: CDH1 (cadherin 1; plus strand). Cytogenetic location: 16q22.1.
Variant type: single nucleotide variant.
Coding change: c.1022A>T on transcript NM_004360.5 (MANE Select); coding-DNA position 1022, A replaced by T.
Protein change: p.Tyr341Phe; replaces tyrosine 341 with phenylalanine.
Molecular consequence: missense variant. On other transcripts: 5 prime UTR variant (2).
Genome position (GRCh38, 1-based): chr16:68,812,148, A>T. VCF-style: chr16-68812148-A-T. GRCh37 (hg19) VCF-style: chr16-68846051-A-T.
Other names: c.1022A>T, p.Tyr341Phe (NM_001317184.2); c.-594A>T (NM_001317185.2); c.-798A>T (NM_001317186.2); short protein forms Y341F.
Identifiers: ClinVar variation 5033898 (VCV005033898.1).

ClinVar aggregate classification (germline): Uncertain significance (1 of 4 stars; one submission).

Conditions:
Hereditary cancer-predisposing syndrome. Also called: Neoplastic Syndromes, Hereditary; Tumor predisposition; Hereditary neoplastic syndrome; Hereditary Cancer Syndrome. Identifiers: Orphanet 140162, MedGen C0027672, MeSH D009386, MONDO:0015356.

Submission:

Ambry Genetics
Classification: Uncertain significance for Hereditary cancer-predisposing syndrome. Last evaluated: 2026-07-06. Review status: criteria provided, single submitter. Criteria: Ambry Variant Classification Scheme 2023. Collection method: clinical testing. Allele origin: germline.
Comment: The p.Y341F variant (also known as c.1022A>T), located in coding exon 8 of the CDH1 gene, results from an A to T substitution at nucleotide position 1022. The tyrosine at codon 341 is replaced by phenylalanine, an amino acid with highly similar properties. This amino acid position is conserved. In addition, the in silico prediction for this alteration is inconclusive. Based on the available evidence, the clinical significance of this variant remains unclear.